The following is an entry in ClinVar:

NM_014915.3(ANKRD26):c.4109C>G (p.Thr1370Arg)

Gene: ANKRD26 (ankyrin repeat domain containing 26; minus strand). Cytogenetic location: 10p12.1.
Variant type: single nucleotide variant.
Coding change: c.4109C>G on transcript NM_014915.3 (MANE Select); coding-DNA position 4109, C replaced by G.
Protein change: p.Thr1370Arg; replaces threonine 1370 with arginine.
Molecular consequence: missense variant.
Genome position (GRCh38, 1-based): chr10:27,022,664, G>C on the plus strand (C>G on the coding strand, the complement: ANKRD26 is on the minus strand). VCF-style: chr10-27022664-G-C. GRCh37 (hg19) VCF-style: chr10-27311593-G-C.
Other names: c.4106C>G, p.Thr1369Arg (NM_001256053.2); short protein forms T1370R, T1369R.
Identifiers: ClinVar variation 4104644 (VCV004104644.1).

ClinVar aggregate classification (germline): Uncertain significance (1 of 4 stars; one submission).

Conditions:
Inborn genetic diseases. Identifiers: MedGen C0950123, MeSH D030342.

Submission:

Ambry Genetics
Classification: Uncertain significance for Inborn genetic diseases. Last evaluated: 2025-09-01. Review status: criteria provided, single submitter. Criteria: Ambry Variant Classification Scheme 2023. Collection method: clinical testing. Allele origin: germline.
Comment: The p.T1370R variant (also known as c.4109C>G), located in coding exon 29 of the ANKRD26 gene, results from a C to G substitution at nucleotide position 4109. The threonine at codon 1370 is replaced by arginine, an amino acid with similar properties. This amino acid position is conserved. In addition, this alteration is predicted to be tolerated by in silico analysis. Based on the available evidence, the clinical significance of this variant remains unclear.